The following is an entry in ClinVar:

NM_000218.3(KCNQ1):c.1393+31358_1393+31359insATTT

Genes: KCNQ1 (potassium voltage-gated channel subfamily Q member 1; plus strand), KCNQ1OT1 (KCNQ1 opposite strand/antisense transcript 1; minus strand). Cytogenetic location: 11p15.5.
Variant type: Insertion.
Coding change: c.1393+31358_1393+31359insATTT on transcript NM_000218.3 (MANE Select); bases 31358 to 31359 of the intron after coding-DNA position 1393, ATTT inserted.
Molecular consequence: intron variant. On other transcripts: non-coding transcript variant (1).
Genome position: GRCh38 VCF-style: chr11-2620211-A-ATATT. GRCh37 (hg19) VCF-style: chr11-2641441-A-ATATT.
Other names: c.1123+31358_1123+31359insATTT (NM_001406837.1); c.1297+31358_1297+31359insATTT (NM_001406836.1); c.853+31358_853+31359insATTT (NM_001406838.1); c.1012+31358_1012+31359insATTT (NM_181798.2).
Identifiers: ClinVar variation 4084869 (VCV004084869.8).
Genomic context (GRCh38, chr11:2,620,211, plus strand): 5'-GGCCTCTAGCTGCATCCATGTTGCTGCAAAGGACGTAAGTTCATTCATGTATATATATAT[A>ATATT]TTTTTTTTTTTTATTTTTTTTTTAGACGGAGTTTCGCTCTTGTTGCCCAGGCTGGAGGGC-3'

ClinVar aggregate classification (germline): Likely benign (1 of 4 stars; one submission).

Submission:

CeGaT Center for Human Genetics Tuebingen
Classification: Likely benign. Last evaluated: 2025-07-01. Review status: criteria provided, single submitter. Criteria: CeGaT Center For Human Genetics Tuebingen Variant Classification Criteria Version 2. Collection method: clinical testing. Allele origin: germline. Affected: yes. Observed: 1 variant allele.
Comment: KCNQ1OT1: BS2